The following is an entry in ClinVar:

ClinVar aggregate classification (germline): Uncertain significance (1 of 4 stars; one submission).

Allele frequency attached by ClinVar (database versions not stated): gnomAD exomes below 0.00001.

Submission:

Labcorp Genetics (formerly Invitae), Labcorp
Classification: Uncertain significance. Last evaluated: 2024-02-05. Review status: criteria provided, single submitter. Criteria: Invitae Variant Classification Sherloc (09022015). Collection method: clinical testing. Allele origin: germline.
Comment: This sequence change replaces valine, which is neutral and non-polar, with methionine, which is neutral and non-polar, at codon 477 of the CACNA1E protein (p.Val477Met). This variant is not present in population databases (gnomAD no frequency). This variant has not been reported in the literature in individuals affected with CACNA1E-related conditions. Advanced modeling of protein sequence and biophysical properties (such as structural, functional, and spatial information, amino acid conservation, physicochemical variation, residue mobility, and thermodynamic stability) has been performed at Invitae for this missense variant, however the output from this modeling did not meet the statistical confidence thresholds required to predict the impact of this variant on CACNA1E protein function. In summary, the available evidence is currently insufficient to determine the role of this variant in disease. Therefore, it has been classified as a Variant of Uncertain Significance.

NM_001205293.3(CACNA1E):c.1429G>A (p.Val477Met)

Gene: CACNA1E (calcium voltage-gated channel subunit alpha1 E; plus strand). Cytogenetic location: 1q25.3.
Variant type: single nucleotide variant.
Coding change: c.1429G>A on transcript NM_001205293.3 (MANE Select); coding-DNA position 1429, G replaced by A.
Protein change: p.Val477Met; replaces valine 477 with methionine.
Molecular consequence: missense variant.
Genome position (GRCh38, 1-based): chr1:181,717,206, G>A. VCF-style: chr1-181717206-G-A. GRCh37 (hg19) VCF-style: chr1-181686342-G-A.
Other names: c.1429G>A, p.Val477Met (NM_000721.4, NM_001205294.2); short protein forms V477M.
Identifiers: ClinVar variation 2859854 (VCV002859854.3), dbSNP rs2528509913, ClinGen allele CA343625152.